The following is an entry in ClinVar:

NM_007294.4(BRCA1):c.2803A>C (p.Lys935Gln)

Gene: BRCA1 (BRCA1 DNA repair associated; minus strand). Cytogenetic location: 17q21.31.
Variant type: single nucleotide variant.
Coding change: c.2803A>C on transcript NM_007294.4 (MANE Select); coding-DNA position 2803, A replaced by C.
Protein change: p.Lys935Gln; replaces lysine 935 with glutamine.
Molecular consequence: missense variant. On other transcripts: intron variant (137).
Genome position (GRCh38, 1-based): chr17:43,092,728, T>G on the plus strand (A>C on the coding strand, the complement: BRCA1 is on the minus strand). VCF-style: chr17-43092728-T-G. GRCh37 (hg19) VCF-style: chr17-41244745-T-G.
Other names: c.578-1696A>C (NM_001408481.1, NM_001408480.1, NM_001408492.1 and 9 more transcripts); c.779-1696A>C (NM_001408408.1); c.785-1696A>C (NM_001408396.1, NM_001408401.1, NM_001408397.1 and 13 more transcripts); c.662-1696A>C (NM_001408446.1, NM_001408435.1, NM_001408448.1 and 6 more transcripts); c.2725A>C, p.Lys909Gln (NM_001407663.1, NM_001407653.1, NM_001407654.1 and 4 more transcripts); c.2680A>C, p.Lys894Gln (NM_001407664.1, NM_001407665.1, NM_001407666.1 and 19 more transcripts); c.2677A>C, p.Lys893Gln (NM_001407670.1, NM_001407671.1, NM_001407672.1 and 11 more transcripts); c.2803A>C, p.Lys935Gln (NM_001407684.1, NM_001407854.1, NM_001407858.1 and 30 more transcripts); and 41 more; short protein forms K823Q, K847Q, K865Q, K888Q, K932Q, K767Q, K807Q, K808Q.
Identifiers: ClinVar variation 2565348 (VCV002565348.2), dbSNP rs1302678544, ClinGen allele CA10596392.

ClinVar aggregate classification (germline): Uncertain significance (1 of 4 stars; one submission).

Conditions:
Hereditary cancer-predisposing syndrome. Also called: Neoplastic Syndromes, Hereditary; Hereditary Cancer Syndrome; Hereditary neoplastic syndrome; Tumor predisposition. Identifiers: Orphanet 140162, MedGen C0027672, MeSH D009386, MONDO:0015356.

Allele frequency attached by ClinVar (database versions not stated): gnomAD exomes below 0.00001; gnomAD 0.00001.
gnomAD v4.1: 4 of 1,614,042 alleles (0.00025%); highest among the groups gnomAD compares: African/African-American, 0.004%; no homozygotes.

Submission:

Ambry Genetics
Classification: Uncertain significance for Hereditary cancer-predisposing syndrome. Last evaluated: 2023-05-05. Review status: criteria provided, single submitter. Criteria: Ambry Variant Classification Scheme 2023. Collection method: clinical testing. Allele origin: germline.
Comment: The p.K935Q variant (also known as c.2803A>C), located in coding exon 9 of the BRCA1 gene, results from an A to C substitution at nucleotide position 2803. The lysine at codon 935 is replaced by glutamine, an amino acid with similar properties. This amino acid position is not well conserved in available vertebrate species. In addition, the in silico prediction for this alteration is inconclusive. Since supporting evidence is limited at this time, the clinical significance of this alteration remains unclear.